The following is an entry in ClinVar:

NM_017802.4(DNAAF5):c.2168G>A (p.Arg723His)

Gene: DNAAF5 (dynein axonemal assembly factor 5; plus strand). Cytogenetic location: 7p22.3.
Variant type: single nucleotide variant.
Coding change: c.2168G>A on transcript NM_017802.4 (MANE Select); coding-DNA position 2168, G replaced by A.
Protein change: p.Arg723His; replaces arginine 723 with histidine.
Molecular consequence: missense variant. On other transcripts: non-coding transcript variant (1).
Genome position (GRCh38, 1-based): chr7:775,091, G>A. VCF-style: chr7-775091-G-A. GRCh37 (hg19) VCF-style: chr7-814728-G-A.
Other names: short protein forms R723H.
Identifiers: ClinVar variation 1787013 (VCV001787013.7), dbSNP rs756813208, ClinGen allele CA366546332.

ClinVar aggregate classification (germline): Uncertain significance. Review status: criteria provided, multiple submitters, no conflicts (2 of 4 stars). 2 submissions from 2 submitters: Uncertain significance (2). Last evaluated 2025-12-23.

Conditions:
Primary ciliary dyskinesia. Also called: Ciliary dyskinesia. Identifiers: Orphanet 244, MedGen C0008780, MONDO:0016575, HP:0012265.

gnomAD v4.1: 9 of 1,613,888 alleles (0.00056%); highest among the groups gnomAD compares: African/African-American, 0.0013%; no homozygotes.

Submissions (2):

Labcorp Genetics (formerly Invitae), Labcorp
Classification: Uncertain significance for Primary ciliary dyskinesia. Last evaluated: 2025-12-23. Review status: criteria provided, single submitter. Criteria: Invitae Variant Classification Sherloc (09022015). Collection method: clinical testing. Allele origin: germline.
Comment: This sequence change replaces arginine, which is basic and polar, with histidine, which is basic and polar, at codon 723 of the DNAAF5 protein (p.Arg723His). This variant is present in population databases (no rsID available, gnomAD 0.007%). This variant has not been reported in the literature in individuals affected with DNAAF5-related conditions. ClinVar contains an entry for this variant (Variation ID: 1787013). Invitae Evidence Modeling of protein sequence and biophysical properties (such as structural, functional, and spatial information, amino acid conservation, physicochemical variation, residue mobility, and thermodynamic stability) indicates that this missense variant is not expected to disrupt DNAAF5 protein function with a negative predictive value of 80%. In summary, the available evidence is currently insufficient to determine the role of this variant in disease. Therefore, it has been classified as a Variant of Uncertain Significance.

Ambry Genetics
Classification: Uncertain significance for Primary ciliary dyskinesia. Last evaluated: 2024-11-30. Review status: criteria provided, single submitter. Criteria: Ambry Variant Classification Scheme 2023. Collection method: clinical testing. Allele origin: germline.
Comment: The p.R723H variant (also known as c.2168G>A), located in coding exon 11 of the DNAAF5 gene, results from a G to A substitution at nucleotide position 2168. The arginine at codon 723 is replaced by histidine, an amino acid with highly similar properties. This variant was not reported in population based cohorts in the following databases: Database of Single Nucleotide Polymorphisms (dbSNP), NHLBI Exome Sequencing Project (ESP), and 1000 Genomes Project. In the ESP, this variant was not observed in 6503 samples (13006 alleles) with coverage at this position. This amino acid position is not well conserved in available vertebrate species. In addition, this alteration is predicted to be tolerated by in silico analysis. Since supporting evidence is limited at this time, the clinical significance of this alteration remains unclear.